The following is an entry in ClinVar:

NM_000516.7(GNAS):c.139+1G>C

Gene: GNAS (GNAS complex locus; plus strand). Cytogenetic location: 20q13.32.
Variant type: single nucleotide variant.
Coding change: c.139+1G>C on transcript NM_000516.7 (MANE Select); the canonical splice donor site of the intron after coding-DNA position 139, G replaced by C.
Molecular consequence: splice donor variant. On other transcripts: intron variant (8).
Genome position (GRCh38, 1-based): chr20:58,891,866, G>C. VCF-style: chr20-58891866-G-C. GRCh37 (hg19) VCF-style: chr20-57466921-G-C.
Other names: c.*43-3746G>C (NM_016592.5); c.44-3746G>C (NM_001410912.1); c.-38-3746G>C (NM_001309861.2); c.*1-3746G>C (NM_001077490.3); c.2069-3746G>C (NM_080425.4, NM_001410913.1); c.*159-3746G>C (NM_001309883.1); c.-39+2513G>C (NM_001309840.2); c.139+1G>C (NM_001077488.5, NM_080426.4, NM_001077489.4 and 1 more transcripts).
Identifiers: ClinVar variation 873534 (VCV000873534.8), dbSNP rs2089393181, ClinGen allele CA409449106.
Genomic context (GRCh38, chr20:58,891,866, plus strand): 5'-AGAAGCAGCTGCAGAAGGACAAGCAGGTCTACCGGGCCACGCACCGCCTGCTGCTGCTGG[G>C]TAAGGGCGGGCGGGGGGCGCCGGCCCCGGCCCGGGGGCCCTCGAAGGGCGCCCCGCAGGC-3'

ClinVar aggregate classification (germline): Pathogenic. Review status: criteria provided, multiple submitters, no conflicts (2 of 4 stars). 2 submissions from 2 submitters: Pathogenic (2). Last evaluated 2022-04-17.

Conditions:
Pseudohypoparathyroidism type 1B (PHP1B). Also called: Pseudohypoparathyroidism Type IB; PHP IB; Pseudohypoparathyroidism Ib (PHP-Ib). Identifiers: Orphanet 94089, MedGen C1864100, MONDO:0011301, OMIM 603233.

Submissions (2):

Labcorp Genetics (formerly Invitae), Labcorp
Classification: Pathogenic. Last evaluated: 2022-04-17. Review status: criteria provided, single submitter. Criteria: Invitae Variant Classification Sherloc (09022015). Collection method: clinical testing. Allele origin: germline.
Comment: This variant is not present in population databases (gnomAD no frequency). For these reasons, this variant has been classified as Pathogenic. Algorithms developed to predict the effect of sequence changes on RNA splicing suggest that this variant may disrupt the consensus splice site. ClinVar contains an entry for this variant (Variation ID: 873534). Disruption of this splice site has been observed in individual(s) with GNAS-related conditions (PMID: 20427508, 23884777, 31886927). In at least one individual the variant was observed to be de novo. This sequence change affects a donor splice site in intron 1 of the GNAS gene. It is expected to disrupt RNA splicing. Variants that disrupt the donor or acceptor splice site typically lead to a loss of protein function (PMID: 16199547), and loss-of-function variants in GNAS are known to be pathogenic (PMID: 11784876, 23281139, 23796510, 25802881).

Illumina Laboratory Services, Illumina
Classification: Pathogenic for Pseudohypoparathyroidism type 1B. Last evaluated: 2020-02-19. Review status: criteria provided, single submitter. Criteria: ICSLVariantClassificationCriteria RUGD 01 April 2020. Collection method: clinical testing. Allele origin: unknown.
Comment: The GNAS c.139+1G>C variant occurs in a canonical splice site (donor) and is therefore predicted to disrupt or distort the normal gene product. This variant has been reported in at least three studies in which it was identified in a heterozygous state in three individuals affected with pseudohypoparathyroidism Ia (PHP-Ia), either maternally inherited or in a de novo state on the maternal allele (Alvarez et al. 2010; Richards et al. 2013). The variant has also been reported in a heterozygous state in an individual affected with progressive osseous heteroplasia (POH) in a de novo state on the paternal allele (Lebrun et al. 2010). The c.139+1G>C variant is not found in the Genome Aggregation Database in a region of good sequence coverage, so the variant is presumed to be rare. Based on the collective evidence, the c.139+1G>C variant is classified as pathogenic for disorders of GNAS inactivation.

Literature cited by the submitters: PubMed 20427508 (cited by Labcorp Genetics (formerly Invitae), Labcorp and Illumina Laboratory Services, Illumina); PubMed 23884777 (cited by Labcorp Genetics (formerly Invitae), Labcorp and Illumina Laboratory Services, Illumina); PubMed 31886927 (cited by Labcorp Genetics (formerly Invitae), Labcorp); PubMed 16199547 (cited by Labcorp Genetics (formerly Invitae), Labcorp); PubMed 11784876 (cited by Labcorp Genetics (formerly Invitae), Labcorp); PubMed 23281139 (cited by Labcorp Genetics (formerly Invitae), Labcorp); PubMed 23796510 (cited by Labcorp Genetics (formerly Invitae), Labcorp); PubMed 25802881 (cited by Labcorp Genetics (formerly Invitae), Labcorp); PubMed 20015054 (cited by Illumina Laboratory Services, Illumina).